The following is an entry in ClinVar:

NM_177438.3(DICER1):c.4995G>A (p.Gly1665=)

Gene: DICER1 (dicer 1, ribonuclease III; minus strand). Cytogenetic location: 14q32.13.
Variant type: single nucleotide variant.
Coding change: c.4995G>A on transcript NM_177438.3 (MANE Select); coding-DNA position 4995, G replaced by A.
Protein change: p.Gly1665=; no amino-acid change (glycine 1665 retained).
Molecular consequence: synonymous variant.
Genome position (GRCh38, 1-based): chr14:95,095,925, C>T on the plus strand (G>A on the coding strand, the complement: DICER1 is on the minus strand). VCF-style: chr14-95095925-C-T. GRCh37 (hg19) VCF-style: chr14-95562262-C-T.
Other names: c.4995G>A, p.Gly1665= (NM_001195573.1, NM_001271282.3, NM_001291628.2 and 1 more transcripts).
Identifiers: ClinVar variation 417068 (VCV000417068.19), dbSNP rs757430396, ClinGen allele CA7330759.

ClinVar aggregate classification (germline): Benign/Likely benign. Review status: criteria provided, multiple submitters, no conflicts (2 of 4 stars). 5 submissions from 5 submitters: Benign (1); Likely benign (4). Last evaluated 2026-04-20.

Conditions:
DICER1-related tumor predisposition. Also called: DICER1-related pleuropulmonary blastoma cancer predisposition syndrome; DICER1 syndrome. Identifiers: Orphanet 284343, MedGen C3839822, MONDO:0100216.
Hereditary cancer-predisposing syndrome. Also called: Tumor predisposition; Hereditary Cancer Syndrome; Hereditary neoplastic syndrome; Neoplastic Syndromes, Hereditary. Identifiers: Orphanet 140162, MedGen C0027672, MeSH D009386, MONDO:0015356.

Allele frequency attached by ClinVar (database versions not stated): ExAC 0.00001; gnomAD 0.00001; gnomAD exomes 0.00001; TOPMed 0.00001.
gnomAD v4.1: 15 of 1,613,976 alleles (0.00093%); highest among the groups gnomAD compares: South Asian, 0.0022%; no homozygotes.

Submissions (5):

Myriad Genetics, Inc.
Classification: Benign for DICER1-related tumor predisposition. Last evaluated: 2026-04-20. Review status: criteria provided, single submitter. Criteria: Myriad Autosomal Dominant, Autosomal Recessive and X-Linked Classification Criteria (2023). Collection method: clinical testing. Allele origin: unknown.
Comment: This variant is considered benign. This variant is a silent/synonymous amino acid change and it is not expected to impact splicing.

Labcorp Genetics (formerly Invitae), Labcorp
Classification: Likely benign for DICER1-related tumor predisposition. Last evaluated: 2025-09-17. Review status: criteria provided, single submitter. Criteria: Invitae Variant Classification Sherloc (09022015). Collection method: clinical testing. Allele origin: germline.

Blueprint Genetics
Classification: Likely benign. Last evaluated: 2024-04-29. Review status: criteria provided, single submitter. Criteria: ACMG Guidelines, 2015. Collection method: clinical testing. Allele origin: germline.

GeneDx
Classification: Likely benign. Last evaluated: 2018-03-08. Review status: criteria provided, single submitter. Criteria: GeneDx Variant Classification (06012015). Collection method: clinical testing. Allele origin: germline. Affected: yes.
Comment: This variant is considered likely benign or benign based on one or more of the following criteria: it is a conservative change, it occurs at a poorly conserved position in the protein, it is predicted to be benign by multiple in silico algorithms, and/or has population frequency not consistent with disease.

Ambry Genetics
Classification: Likely benign for Hereditary cancer-predisposing syndrome. Last evaluated: 2017-07-28. Review status: criteria provided, single submitter. Criteria: Ambry Variant Classification Scheme 2023. Collection method: clinical testing. Allele origin: germline.